The following is an entry in ClinVar:

ClinVar aggregate classification (germline): Uncertain significance. Review status: criteria provided, multiple submitters, no conflicts (2 of 4 stars). 3 submissions from 3 submitters: Uncertain significance (3). Last evaluated 2025-02-25.

Conditions:
Inborn genetic diseases. Identifiers: MedGen C0950123, MeSH D030342.

Allele frequency attached by ClinVar (database versions not stated): gnomAD exomes 0.00001 and 0.00002; TOPMed 0.00002; gnomAD 0.00003; ExAC 0.00004.
gnomAD v4.1: 17 of 1,612,588 alleles (0.0011%); highest among the groups gnomAD compares: Non-Finnish European, 0.0014%; no homozygotes.

Submissions (3):

Ambry Genetics
Classification: Uncertain significance for Inborn genetic diseases. Last evaluated: 2025-02-25. Review status: criteria provided, single submitter. Criteria: Ambry Variant Classification Scheme 2023. Collection method: clinical testing. Allele origin: germline.

GeneDx
Classification: Uncertain significance. Last evaluated: 2023-04-12. Review status: criteria provided, single submitter. Criteria: GeneDx Variant Classification Process June 2021. Collection method: clinical testing. Allele origin: germline. Affected: yes.
Comment: Not observed at significant frequency in large population cohorts (gnomAD); In silico analysis supports that this missense variant does not alter protein structure/function; Has not been previously published as pathogenic or benign to our knowledge

Eurofins Ntd Llc (ga)
Classification: Uncertain significance. Last evaluated: 2018-05-30. Review status: criteria provided, single submitter. Criteria: EGL ClinVar v180209 classification definitions. Collection method: clinical testing. Allele origin: germline. Observed: 1 variant allele, 1 heterozygote.

NM_006012.4(CLPP):c.622A>G (p.Ile208Val)

Gene: CLPP (caseinolytic mitochondrial matrix peptidase proteolytic subunit; plus strand). Cytogenetic location: 19p13.3.
Variant type: single nucleotide variant.
Coding change: c.622A>G on transcript NM_006012.4 (MANE Select); coding-DNA position 622, A replaced by G.
Protein change: p.Ile208Val; replaces isoleucine 208 with valine.
Molecular consequence: missense variant.
Genome position (GRCh38, 1-based): chr19:6,366,324, A>G. VCF-style: chr19-6366324-A-G. GRCh37 (hg19) VCF-style: chr19-6366335-A-G.
Other names: c.622A>G (NM_006012.2); short protein forms I208V.
Identifiers: ClinVar variation 597224 (VCV000597224.7), dbSNP rs200070892, ClinGen allele CA9122971.